The following is an entry in ClinVar:

NM_001077350.3(NPRL3):c.316C>T (p.Gln106Ter)

Genes: HBA-LCR (alpha-globin locus control region; plus strand), NPRL3 (NPR3 like, GATOR1 complex subunit; minus strand). Cytogenetic location: 16p13.3.
Variant type: single nucleotide variant.
Coding change: c.316C>T on transcript NM_001077350.3 (MANE Select); coding-DNA position 316, C replaced by T.
Protein change: p.Gln106Ter; replaces glutamine 106 with a stop codon.
Molecular consequence: nonsense. On other transcripts: intron variant (1).
Genome position (GRCh38, 1-based): chr16:119,128, G>A on the plus strand (C>T on the coding strand, the complement: NPRL3 is on the minus strand). VCF-style: chr16-119128-G-A. GRCh37 (hg19) VCF-style: chr16-169127-G-A.
Other names: c.82C>T, p.Gln28Ter (NM_001243247.2); c.316C>T, p.Gln106Ter (NM_001243248.2, NM_001243249.2); c.-144-6353C>T (NM_001039476.3); short protein forms Q106*, Q28*.
Identifiers: ClinVar variation 1297749 (VCV001297749.2), dbSNP rs1215657187, ClinGen allele CA393995165.

ClinVar aggregate classification (germline): Pathogenic (1 of 4 stars; one submission).

Conditions:
Epilepsy, familial focal, with variable foci 3 (FFEVF3). Identifiers: MedGen C4310708, MONDO:0014925, OMIM 617118.

Submission:

Department of Neurology lab, Tongji Hospital, Tongji Hospital of Tongji Medical College, Huazhong University of Science and Technology
Classification: Pathogenic for Epilepsy, familial focal, with variable foci 3. Last evaluated: 2021-04-02. Review status: criteria provided, single submitter. Criteria: ACMG Guidelines, 2015. Collection method: research. Allele origin: germline. Inheritance: Autosomal dominant inheritance. Affected: yes. Observed: 2 heterozygotes.
Comment: Mumerous mutations in the coding region of the NPRL3 gene have so far been reported in FFEVF families. Two NPRL3（c.1270C>T, p.Arg424*, c.1070delC, p.Pro357Hisfs*56) mutations were also identified in FFEVF families.(Weckhuysen et al., 2016). Christina Canavati and colleagues detected NPRL3 mutation (c.1063C>T, p.Gln355*; ~38‐kb deletion encompassing eight exons (exons 8‐15) in Palestinian FFEVF families (Canavati et al., 2019). Here we report a novel pathogenic mutation in the NPRL3 gene (c316C>T; p. Q106*) ,and was absent from large population studies. In summary, the NPRL3 gene (c316C>T; p. Q106*) mutation meets our criteria to be classified as pathogenic based on ACMG Standards and Guidelines (PVS1,PM2, PP1, PP4).